The following is an entry in ClinVar:

ClinVar aggregate classification (germline): Uncertain significance (1 of 4 stars; one submission).

Conditions:
Leigh syndrome (NULS). Also called: Leigh's necrotizing encephalopathy; Leigh's disease; Leigh's syndrome; LEIGH SYNDROME, NUCLEAR; Leigh Syndrome (mtDNA deletion); Leigh Disease. Identifiers: Orphanet 506, MedGen C2931891, MONDO:0009723, OMIM 256000.

Submission:

Wong Mito Lab, Molecular and Human Genetics, Baylor College of Medicine
Classification: Uncertain significance for Leigh syndrome. Last evaluated: 2019-10-17. Review status: criteria provided, single submitter. Criteria: Modified ACMG Guidelines (Unpublished). Collection method: clinical testing. Allele origin: germline.
Comment: The NC_012920.1:m.14050T>C (YP_003024036.1:p.Ser572Pro) variant in MTND5 gene is interpretated to be a Uncertain Significance variant based on the modified ACMG guidelines (unpublished). This variant meets the following evidence codes: PP7

NC_012920.1(MT-ND5):m.14050T>C

Gene: MT-ND5 (mitochondrially encoded NADH dehydrogenase 5; plus strand).
Variant type: single nucleotide variant.
Genome position: chrM-14050-T-C.
Identifiers: ClinVar variation 693656 (VCV000693656.1), dbSNP rs879112261, ClinGen allele CA414820683.